The following is an entry in ClinVar:

NM_006164.5(NFE2L2):c.841T>G (p.Phe281Val)

Gene: NFE2L2 (NFE2 like bZIP transcription factor 2; minus strand). Cytogenetic location: 2q31.2.
Variant type: single nucleotide variant.
Coding change: c.841T>G on transcript NM_006164.5 (MANE Select); coding-DNA position 841, T replaced by G.
Protein change: p.Phe281Val; replaces phenylalanine 281 with valine.
Molecular consequence: missense variant.
Genome position (GRCh38, 1-based): chr2:177,231,762, A>C on the plus strand (T>G on the coding strand, the complement: NFE2L2 is on the minus strand). VCF-style: chr2-177231762-A-C. GRCh37 (hg19) VCF-style: chr2-178096490-A-C.
Other names: c.793T>G, p.Phe265Val (NM_001145412.3, NM_001313900.1, NM_001313901.1); c.772T>G, p.Phe258Val (NM_001145413.3); c.751T>G, p.Phe251Val (NM_001313902.2); c.622T>G, p.Phe208Val (NM_001313903.2); c.541T>G, p.Phe181Val (NM_001313904.1); short protein forms F265V, F281V, F181V, F208V, F251V, F258V.
Identifiers: ClinVar variation 4740599 (VCV004740599.1).

ClinVar aggregate classification (germline): Uncertain significance (1 of 4 stars; one submission).

gnomAD v4.1: 2 of 1,614,130 alleles (0.00012%); highest among the groups gnomAD compares: Non-Finnish European, 0.00017%; no homozygotes.

Submission:

Labcorp Genetics (formerly Invitae), Labcorp
Classification: Uncertain significance. Last evaluated: 2025-02-13. Review status: criteria provided, single submitter. Criteria: Invitae Variant Classification Sherloc (09022015). Collection method: clinical testing. Allele origin: germline.
Comment: This sequence change replaces phenylalanine, which is neutral and non-polar, with valine, which is neutral and non-polar, at codon 281 of the NFE2L2 protein (p.Phe281Val). This variant is present in population databases (no rsID available, gnomAD 0.0009%). This variant has not been reported in the literature in individuals affected with NFE2L2-related conditions. Invitae Evidence Modeling of protein sequence and biophysical properties (such as structural, functional, and spatial information, amino acid conservation, physicochemical variation, residue mobility, and thermodynamic stability) indicates that this missense variant is not expected to disrupt NFE2L2 protein function with a negative predictive value of 80%. In summary, the available evidence is currently insufficient to determine the role of this variant in disease. Therefore, it has been classified as a Variant of Uncertain Significance.